The following is an entry in ClinVar:

ClinVar aggregate classification (germline): Likely benign (0 of 4 stars; one submission).

Conditions:
HIVEP3-related disorder. Also called: HIVEP3-related condition.

gnomAD v4.1: 66 of 1,611,922 alleles (0.0041%); highest among the groups gnomAD compares: Non-Finnish European, 0.0053%; no homozygotes.

Submission:

PreventionGenetics, part of Exact Sciences
Classification: Likely benign for HIVEP3-related condition. Last evaluated: 2024-03-20. Review status: no assertion criteria provided. Collection method: clinical testing. Allele origin: germline.
Comment: This variant is classified as likely benign based on ACMG/AMP sequence variant interpretation guidelines (Richards et al. 2015 PMID: 25741868, with internal and published modifications).

NM_024503.5(HIVEP3):c.2286A>G (p.Lys762=)

Gene: HIVEP3 (HIVEP zinc finger 3; minus strand). Cytogenetic location: 1p34.2.
Variant type: single nucleotide variant.
Coding change: c.2286A>G on transcript NM_024503.5 (MANE Select); coding-DNA position 2286, A replaced by G.
Protein change: p.Lys762=; no amino-acid change (lysine 762 retained).
Molecular consequence: synonymous variant.
Genome position (GRCh38, 1-based): chr1:41,582,512, T>C on the plus strand (A>G on the coding strand, the complement: HIVEP3 is on the minus strand). VCF-style: chr1-41582512-T-C. GRCh37 (hg19) VCF-style: chr1-42048183-T-C.
Other names: c.2286A>G, p.Lys762= (NM_001127714.3).
Identifiers: ClinVar variation 3350945 (VCV003350945.1).